The following is an entry in ClinVar:

ClinVar aggregate classification (germline): Conflicting classifications of pathogenicity. Review status: criteria provided, conflicting classifications (1 of 4 stars). 3 submissions from 3 submitters: Uncertain significance (2); Likely benign (1). Last evaluated 2025-11-17.

Conditions:
Hereditary cancer-predisposing syndrome. Also called: Neoplastic Syndromes, Hereditary; Tumor predisposition; Hereditary Cancer Syndrome; Hereditary neoplastic syndrome. Identifiers: Orphanet 140162, MedGen C0027672, MeSH D009386, MONDO:0015356.

Submissions (3):

Labcorp Genetics (formerly Invitae), Labcorp
Classification: Uncertain significance. Last evaluated: 2025-11-17. Review status: criteria provided, single submitter. Criteria: Invitae Variant Classification Sherloc (09022015). Collection method: clinical testing. Allele origin: germline.
Comment: This sequence change replaces methionine, which is neutral and non-polar, with isoleucine, which is neutral and non-polar, at codon 1113 of the MSH3 protein (p.Met1113Ile). This variant is not present in population databases (gnomAD no frequency). This variant has not been reported in the literature in individuals affected with MSH3-related conditions. ClinVar contains an entry for this variant (Variation ID: 1730376). An algorithm developed to predict the effect of missense changes on protein structure and function outputs the following: PolyPhen-2: "Benign". The isoleucine amino acid residue is found in multiple mammalian species, which suggests that this missense change does not adversely affect protein function. In summary, the available evidence is currently insufficient to determine the role of this variant in disease. Therefore, it has been classified as a Variant of Uncertain Significance.

Quest Diagnostics Nichols Institute San Juan Capistrano
Classification: Uncertain significance. Last evaluated: 2024-10-23. Review status: criteria provided, single submitter. Criteria: Quest Diagnostics criteria. Collection method: clinical testing. Allele origin: unknown.
Comment: The MSH3 c.3339G>C (p.Met1113Ile) variant has not been reported as a germline variant in individuals with MSH3-related conditions in the published literature. It also has not been reported in large, multi-ethnic general populations (Genome Aggregation Database). Analysis of this variant using bioinformatics tools for the prediction of the effect of amino acid changes on protein structure and function yielded predictions that this variant is benign. Based on the available information, we are unable to determine the clinical significance of this variant.

Ambry Genetics
Classification: Likely benign for Hereditary cancer-predisposing syndrome. Last evaluated: 2021-06-14. Review status: criteria provided, single submitter. Criteria: Ambry Variant Classification Scheme 2023. Collection method: clinical testing. Allele origin: germline.

NM_002439.5(MSH3):c.3339G>C (p.Met1113Ile)

Gene: MSH3 (mutS homolog 3; plus strand). Cytogenetic location: 5q14.1.
Variant type: single nucleotide variant.
Coding change: c.3339G>C on transcript NM_002439.5 (MANE Select); coding-DNA position 3339, G replaced by C.
Protein change: p.Met1113Ile; replaces methionine 1113 with isoleucine.
Molecular consequence: missense variant.
Genome position (GRCh38, 1-based): chr5:80,875,787, G>C. VCF-style: chr5-80875787-G-C. GRCh37 (hg19) VCF-style: chr5-80171606-G-C.
Other names: c.3339G>C (NM_002439.4); short protein forms M1113I.
Identifiers: ClinVar variation 1730376 (VCV001730376.6), dbSNP rs145769847, ClinGen allele CA360347344.